The following is an entry in ClinVar:

ClinVar aggregate classification (germline): Uncertain significance (1 of 4 stars; one submission).

Submission:

Labcorp Genetics (formerly Invitae), Labcorp
Classification: Uncertain significance. Last evaluated: 2024-02-17. Review status: criteria provided, single submitter. Criteria: Invitae Variant Classification Sherloc (09022015). Collection method: clinical testing. Allele origin: germline.
Comment: This sequence change replaces glycine, which is neutral and non-polar, with alanine, which is neutral and non-polar, at codon 299 of the PRDM13 protein (p.Gly299Ala). This variant is not present in population databases (gnomAD no frequency). This variant has not been reported in the literature in individuals affected with PRDM13-related conditions. An algorithm developed to predict the effect of missense changes on protein structure and function (PolyPhen-2) suggests that this variant is likely to be tolerated. In summary, the available evidence is currently insufficient to determine the role of this variant in disease. Therefore, it has been classified as a Variant of Uncertain Significance.

NM_021620.4(PRDM13):c.896G>C (p.Gly299Ala)

Gene: PRDM13 (PR/SET domain 13; plus strand). Cytogenetic location: 6q16.2.
Variant type: single nucleotide variant.
Coding change: c.896G>C on transcript NM_021620.4 (MANE Select); coding-DNA position 896, G replaced by C.
Protein change: p.Gly299Ala; replaces glycine 299 with alanine.
Molecular consequence: missense variant.
Genome position (GRCh38, 1-based): chr6:99,613,531, G>C. VCF-style: chr6-99613531-G-C. GRCh37 (hg19) VCF-style: chr6-100061407-G-C.
Other names: short protein forms G299A.
Identifiers: ClinVar variation 3641791 (VCV003641791.2).